The following is an entry in ClinVar:

NM_001130823.3(DNMT1):c.2908A>G (p.Ser970Gly)

Gene: DNMT1 (DNA methyltransferase 1; minus strand). Cytogenetic location: 19p13.2.
Variant type: single nucleotide variant.
Coding change: c.2908A>G on transcript NM_001130823.3 (MANE Select); coding-DNA position 2908, A replaced by G.
Protein change: p.Ser970Gly; replaces serine 970 with glycine.
Molecular consequence: missense variant.
Genome position (GRCh38, 1-based): chr19:10,143,974, T>C on the plus strand (A>G on the coding strand, the complement: DNMT1 is on the minus strand). VCF-style: chr19-10143974-T-C. GRCh37 (hg19) VCF-style: chr19-10254650-T-C.
Other names: c.2860A>G, p.Ser954Gly (NM_001318730.2, NM_001379.4); c.2545A>G, p.Ser849Gly (NM_001318731.2); short protein forms S849G, S954G, S970G.
Identifiers: ClinVar variation 3667013 (VCV003667013.2).

ClinVar aggregate classification (germline): Uncertain significance (1 of 4 stars; one submission).

Conditions:
Hereditary sensory neuropathy-deafness-dementia syndrome. Also called: Hereditary Sensory and Autonomic Neuropathy Type 1E (HSAN1E); NEUROPATHY, HEREDITARY SENSORY, WITH HEARING LOSS AND DEMENTIA; HSN IE; Hereditary sensory neuropathy type IE. Identifiers: Orphanet 456318, MedGen C3279885, MONDO:0013584, OMIM 614116.

Submission:

Labcorp Genetics (formerly Invitae), Labcorp
Classification: Uncertain significance for Hereditary sensory neuropathy-deafness-dementia syndrome. Last evaluated: 2024-09-28. Review status: criteria provided, single submitter. Criteria: Invitae Variant Classification Sherloc (09022015). Collection method: clinical testing. Allele origin: germline.
Comment: This sequence change replaces serine, which is neutral and polar, with glycine, which is neutral and non-polar, at codon 970 of the DNMT1 protein (p.Ser970Gly). This variant is not present in population databases (gnomAD no frequency). This variant has not been reported in the literature in individuals affected with DNMT1-related conditions. Invitae Evidence Modeling of protein sequence and biophysical properties (such as structural, functional, and spatial information, amino acid conservation, physicochemical variation, residue mobility, and thermodynamic stability) indicates that this missense variant is not expected to disrupt DNMT1 protein function with a negative predictive value of 80%. In summary, the available evidence is currently insufficient to determine the role of this variant in disease. Therefore, it has been classified as a Variant of Uncertain Significance.